The following is an entry in ClinVar:

NM_017999.5(RNF31):c.2403+20C>G

Gene: RNF31 (ring finger protein 31; plus strand). Cytogenetic location: 14q12.
Variant type: single nucleotide variant.
Coding change: c.2403+20C>G on transcript NM_017999.5 (MANE Select); 20 bases into the intron after coding-DNA position 2403, C replaced by G.
Molecular consequence: intron variant.
Genome position (GRCh38, 1-based): chr14:24,155,532, C>G. VCF-style: chr14-24155532-C-G. GRCh37 (hg19) VCF-style: chr14-24624741-C-G.
Other names: c.1950+20C>G (NM_001310332.2).
Identifiers: ClinVar variation 1170101 (VCV001170101.14), dbSNP rs2295979, ClinGen allele CA7126046.

ClinVar aggregate classification (germline): Benign/Likely benign. Review status: criteria provided, multiple submitters, no conflicts (2 of 4 stars). 4 submissions from 4 submitters: Benign (3); Likely benign (1). Last evaluated 2026-02-04.

Allele frequency attached by ClinVar (database versions not stated): gnomAD exomes 0.51861 and 0.55825; ESP Exome Variant Server 0.53005; gnomAD 0.54796 and 0.55381; ExAC 0.55420; TOPMed 0.56297; 1000 Genomes Project 30x 0.65147; 1000 Genomes Project 0.65296.
gnomAD v4.1: 841,682 of 1,613,534 alleles (52%); highest among the groups gnomAD compares: East Asian, 88%; 225,526 homozygotes.

Submissions (4):

Labcorp Genetics (formerly Invitae), Labcorp
Classification: Benign. Last evaluated: 2026-02-04. Review status: criteria provided, single submitter. Criteria: Invitae Variant Classification Sherloc (09022015). Collection method: clinical testing. Allele origin: germline.

Blueprint Genetics
Classification: Likely benign. Last evaluated: 2024-11-27. Review status: criteria provided, single submitter. Criteria: ACMG Guidelines, 2015. Collection method: clinical testing. Allele origin: germline.

Unidad de Genómica Garrahan, Hospital de Pediatría Garrahan
Classification: Benign. Last evaluated: 2023-11-12. Review status: criteria provided, single submitter. Criteria: ACMG Guidelines, 2015. Collection method: clinical testing. Allele origin: germline. Affected: no. Observed: 79 variant alleles.
Comment: This variant is classified as Benign based on local population frequency. This variant was detected in 82% of patients studied by a panel of primary immunodeficiencies. Number of patients: 79. Only high quality variants are reported.

Breakthrough Genomics
Classification: Benign. Review status: criteria provided, single submitter. Criteria: ACMG Guidelines, 2015. Collection method: not provided. Allele origin: germline. Inheritance: Unknown mechanism. Affected: yes.